The following is an entry in ClinVar:

ClinVar aggregate classification (germline): Pathogenic (1 of 4 stars; one submission).

Conditions:
Interstitial lung disease 2 (ILD2). Also called: Familial idiopathic pulmonary fibrosis; FIBROCYSTIC PULMONARY DYSPLASIA; FIBROSING ALVEOLITIS, CRYPTOGENIC. Identifiers: Orphanet 2032, Orphanet 79126, MedGen C5561926, MONDO:0800497, OMIM 178500, MONDO:0800029.
Dyskeratosis congenita, autosomal dominant 2. Identifiers: MedGen C3151443, MONDO:0013521, OMIM 613989.

Submission:

Labcorp Genetics (formerly Invitae), Labcorp
Classification: Pathogenic for Dyskeratosis congenita, autosomal dominant, 2; Idiopathic fibrosing alveolitis, chronic form. Last evaluated: 2019-04-20. Review status: criteria provided, single submitter. Criteria: Invitae Variant Classification Sherloc (09022015). Collection method: clinical testing. Allele origin: germline.
Comment: A gross deletion of the genomic region encompassing the full coding sequence of the TERT gene has been identified. The boundaries of this event are unknown as the deletion extends beyond the assayed region for this gene and therefore may encompass additional genes. A similar deletion has been observed in several individuals affected with Cri du Chat syndrome. However, these individuals may have larger chromosomal deletions and other genes in the vicinity of TERT may also be deleted (PMID: 12629597). Loss-of-function variants in TERT are known to be pathogenic (PMID: 16247010, 17460043). For these reasons, this variant has been classified as Pathogenic.

Literature cited by the submitters: PubMed 12629597.

NC_000005.10:g.(?_218346)_(1295046_?)del

Genes: NKD2 (NKD inhibitor of Wnt signaling pathway 2; plus strand), SLC9A3 (solute carrier family 9 member A3), ZDHHC11B (zDHHC palmitoyltransferase 11B (putative); minus strand), SLC12A7 (solute carrier family 12 member 7; minus strand), AHRR (aryl hydrocarbon receptor repressor; plus strand) and 12 more. Cytogenetic location: 5p15.33.
Variant type: Deletion.
Identifiers: ClinVar variation 831255 (VCV000831255.1).